The following is an entry in ClinVar:

ClinVar aggregate classification (germline): Uncertain significance (1 of 4 stars; one submission).

Submission:

Labcorp Genetics (formerly Invitae), Labcorp
Classification: Uncertain significance. Last evaluated: 2025-07-06. Review status: criteria provided, single submitter. Criteria: Invitae Variant Classification Sherloc (09022015). Collection method: clinical testing. Allele origin: germline.
Comment: This variant, c.1903_1908dup, results in the insertion of 2 amino acid(s) of the PCARE protein (p.Gly635_Gln636dup), but otherwise preserves the integrity of the reading frame. This variant is present in population databases (rs765766763, gnomAD 0.004%). This variant has not been reported in the literature in individuals affected with PCARE-related conditions. ClinVar contains an entry for this variant (Variation ID: 961915). Experimental studies and prediction algorithms are not available or were not evaluated, and the functional significance of this variant is currently unknown. In summary, the available evidence is currently insufficient to determine the role of this variant in disease. Therefore, it has been classified as a Variant of Uncertain Significance.

NM_001029883.3(PCARE):c.1897GGGCAG[3] (p.633GQ[3])

Gene: PCARE (photoreceptor cilium actin regulator; minus strand). Cytogenetic location: 2p23.2.
Variant type: Microsatellite.
Coding change: c.1897GGGCAG[3] on transcript NM_001029883.3 (MANE Select); three copies in a row of the 6-base unit GGGCAG starting at c.1897; the reference has two copies in a row; one copy, 6 bases duplicated.
Protein change: p.633GQ[3].
Molecular consequence: inframe insertion.
Genome position (GRCh38, 1-based): chr2:29,072,354-29,072,359, CTGCCC duplicated on the plus strand (GGGCAG on the coding strand, the reverse complement: PCARE is on the minus strand); duplicating any 6 consecutive bases within chr2:29,072,354-29,072,365 gives the same sequence; the position shown is the placement nearest the transcript's 3' end. VCF-style (leftmost placement, unchanged base first): chr2-29072353-T-TCTGCCC. GRCh37 (hg19) VCF-style: chr2-29295219-T-TCTGCCC.
Identifiers: ClinVar variation 961915 (VCV000961915.8), dbSNP rs765766763, ClinGen allele CA1592330.